The following is an entry in ClinVar:

ClinVar aggregate classification (germline): Pathogenic/Likely pathogenic. Review status: criteria provided, multiple submitters, no conflicts (2 of 4 stars). 6 submissions from 6 submitters: Pathogenic (2); Likely pathogenic (3). 1 of the submissions does not count toward it. Last evaluated 2026-06-05.

Conditions:
Retinal dystrophy. Also called: Inherited retinal dystrophy. Identifiers: Orphanet 71862, MedGen C0854723, MeSH D058499, MONDO:0019118, HP:0000556.
Bardet-Biedl syndrome (BBS). Identifiers: Orphanet 110, MedGen C0752166, MONDO:0015229.
TTC8-related disorder. Also called: TTC8-related condition.
Retinitis pigmentosa 51 (RP51). Identifiers: Orphanet 791, MedGen C3150715, MONDO:0013274, OMIM 613464.

Allele frequency attached by ClinVar (database versions not stated): gnomAD exomes 0.00001; TOPMed 0.00001.
gnomAD v4.1: 6 of 1,613,402 alleles (0.00037%); highest among the groups gnomAD compares: Admixed American, 0.0017%; no homozygotes.

Submissions (6):

PreventionGenetics, part of Exact Sciences
Classification: Likely pathogenic for TTC8-related condition. Last evaluated: 2026-06-05. Review status: criteria provided, single submitter. Criteria: ACMG Guidelines, 2015. Collection method: clinical testing. Allele origin: germline.
Comment: The TTC8 c.677G>A variant is predicted to result in premature protein termination (p.Trp226*). To our knowledge, this variant has not been documented in the literature. This variant is reported in 0.0028% of alleles in individuals of Latino descent in gnomAD. Nonsense variants in TTC8 are expected to be pathogenic. This variant is interpreted as likely pathogenic.

Labcorp Genetics (formerly Invitae), Labcorp
Classification: Pathogenic for Bardet-Biedl syndrome. Last evaluated: 2025-12-07. Review status: criteria provided, single submitter. Criteria: Invitae Variant Classification Sherloc (09022015). Collection method: clinical testing. Allele origin: germline.
Comment: This sequence change creates a premature translational stop signal (p.Trp216*) in the TTC8 gene. It is expected to result in an absent or disrupted protein product. Loss-of-function variants in TTC8 are known to be pathogenic (PMID: 16308660, 16877420, 19797195, 21052717, 30886724). This variant is present in population databases (no rsID available, gnomAD 0.0008%). This variant has not been reported in the literature in individuals affected with TTC8-related conditions. ClinVar contains an entry for this variant (Variation ID: 2415756). For these reasons, this variant has been classified as Pathogenic.

Dasa
Classification: Pathogenic. Last evaluated: 2024-09-09. Review status: criteria provided, single submitter. Criteria: DASA Assertion Criteria. Collection method: clinical testing. Allele origin: germline.
Comment: NM_144596.4(TTC8):c.677G>A (p.Trp226*) introduces a premature termination codon predicted to result in loss of normal protein function. Loss-of-function is an established mechanism of disease for this gene. The variant is present at low frequency in population datasets. Based on the available data, this variant is classified as pathogenic.

Baylor Genetics
Classification: Likely pathogenic for Retinitis pigmentosa 51. Last evaluated: 2024-02-27. Review status: criteria provided, single submitter. Criteria: ACMG Guidelines, 2015. Collection method: clinical testing. Allele origin: unknown.

Blueprint Genetics
Classification: Likely pathogenic for TTC8-related disorders. Last evaluated: 2022-11-14. Review status: criteria provided, single submitter. Criteria: ACMG Guidelines, 2015. Collection method: clinical testing. Allele origin: germline. Affected: yes. Observed: 1 variant allele.

Institute of Human Genetics, Univ. Regensburg, Univ. Regensburg
Classification: Pathogenic for Retinal dystrophy. Last evaluated: 2021-01-01. Review status: no assertion criteria provided. Criteria: ACMG Guidelines, 2015. Collection method: clinical testing. Allele origin: germline. Affected: yes. Not counted in ClinVar's aggregate classification.

Literature cited by the submitters: PubMed 16308660 (cited by Labcorp Genetics (formerly Invitae), Labcorp); PubMed 16877420 (cited by Labcorp Genetics (formerly Invitae), Labcorp); PubMed 19797195 (cited by Labcorp Genetics (formerly Invitae), Labcorp); PubMed 21052717 (cited by Labcorp Genetics (formerly Invitae), Labcorp); PubMed 30886724 (cited by Labcorp Genetics (formerly Invitae), Labcorp).

NM_144596.4(TTC8):c.677G>A (p.Trp226Ter)

Gene: TTC8 (tetratricopeptide repeat domain 8; plus strand). Cytogenetic location: 14q31.3.
Variant type: single nucleotide variant.
Coding change: c.677G>A on transcript NM_144596.4 (MANE Select); coding-DNA position 677, G replaced by A.
Protein change: p.Trp226Ter; replaces tryptophan 226 with a stop codon.
Molecular consequence: nonsense. On other transcripts: 5 prime UTR variant (1), non-coding transcript variant (1).
Genome position (GRCh38, 1-based): chr14:88,853,023, G>A. VCF-style: chr14-88853023-G-A. GRCh37 (hg19) VCF-style: chr14-89319367-G-A.
Other names: c.725G>A, p.Trp242Ter (NM_001288781.1); c.83G>A, p.Trp28Ter (NM_001288782.1); c.-41G>A (NM_001288783.1); c.647G>A, p.Trp216Ter (NM_001366535.2, NM_198309.3); c.557G>A, p.Trp186Ter (NM_001366536.2, NM_198310.3); c.677G>A (NM_144596.3); short protein forms W186*, W216*, W226*, W242*, W28*.
Identifiers: ClinVar variation 2415756 (VCV002415756.12), dbSNP rs948160026, ClinGen allele CA264565310.
Genomic context (GRCh38, chr14:88,853,023, plus strand): 5'-TTTCAAAGGCTTTGGATCTGGCTGCCCTCTCCACAGAACATTCTCAGTACAAGGACTGGT[G>A]GTGGAAAGTACAGATTGGAAAATGTTACTACAGGTAAATTTCATTATTTGTGAAGGGCTT-3'